The following is an entry in ClinVar:

ClinVar aggregate classification (germline): Uncertain significance (1 of 4 stars; one submission).

Allele frequency attached by ClinVar (database versions not stated): ExAC 0.00006; ESP Exome Variant Server 0.00008; gnomAD 0.00014.
gnomAD v4.1: 52 of 1,612,056 alleles (0.0032%); highest among the groups gnomAD compares: African/African-American, 0.039%; no homozygotes.

Submission:

Labcorp Genetics (formerly Invitae), Labcorp
Classification: Uncertain significance. Last evaluated: 2022-08-22. Review status: criteria provided, single submitter. Criteria: Invitae Variant Classification Sherloc (09022015). Collection method: clinical testing. Allele origin: germline.
Comment: This sequence change replaces valine, which is neutral and non-polar, with methionine, which is neutral and non-polar, at codon 444 of the DGAT1 protein (p.Val444Met). This variant is present in population databases (rs367717255, gnomAD 0.05%). This variant has not been reported in the literature in individuals affected with DGAT1-related conditions. Algorithms developed to predict the effect of missense changes on protein structure and function are either unavailable or do not agree on the potential impact of this missense change (SIFT: "Deleterious"; PolyPhen-2: "Possibly Damaging"; Align-GVGD: "Class C0"). Algorithms developed to predict the effect of sequence changes on RNA splicing suggest that this variant may create or strengthen a splice site. In summary, the available evidence is currently insufficient to determine the role of this variant in disease. Therefore, it has been classified as a Variant of Uncertain Significance.

NM_012079.6(DGAT1):c.1330G>A (p.Val444Met)

Gene: DGAT1 (diacylglycerol O-acyltransferase 1; minus strand). Cytogenetic location: 8q24.3.
Variant type: single nucleotide variant.
Coding change: c.1330G>A on transcript NM_012079.6 (MANE Select); coding-DNA position 1330, G replaced by A.
Protein change: p.Val444Met; replaces valine 444 with methionine.
Molecular consequence: missense variant.
Genome position (GRCh38, 1-based): chr8:144,316,691, C>T on the plus strand (G>A on the coding strand, the complement: DGAT1 is on the minus strand). VCF-style: chr8-144316691-C-T. GRCh37 (hg19) VCF-style: chr8-145540354-C-T.
Other names: short protein forms V444M.
Identifiers: ClinVar variation 1929232 (VCV001929232.2), dbSNP rs367717255, ClinGen allele CA4936542.